The following is an entry in ClinVar:

NM_006265.3(RAD21):c.767C>T (p.Pro256Leu)

Gene: RAD21 (RAD21 cohesin complex component; minus strand). Cytogenetic location: 8q24.11.
Variant type: single nucleotide variant.
Coding change: c.767C>T on transcript NM_006265.3 (MANE Select); coding-DNA position 767, C replaced by T.
Protein change: p.Pro256Leu; replaces proline 256 with leucine.
Molecular consequence: missense variant.
Genome position (GRCh38, 1-based): chr8:116,856,693, G>A on the plus strand (C>T on the coding strand, the complement: RAD21 is on the minus strand). VCF-style: chr8-116856693-G-A. GRCh37 (hg19) VCF-style: chr8-117868932-G-A.
Other names: short protein forms P256L.
Identifiers: ClinVar variation 2798368 (VCV002798368.4), dbSNP rs2537296726, ClinGen allele CA372005005.

ClinVar aggregate classification (germline): Uncertain significance. Review status: criteria provided, multiple submitters, no conflicts (2 of 4 stars). 2 submissions from 2 submitters: Uncertain significance (2). Last evaluated 2023-10-03.

Conditions:
Cornelia de Lange syndrome 4 (CDLS4). Also called: RAD21-Related Cornelia de Lange Syndrome; CORNELIA DE LANGE SYNDROME 4 WITH OR WITHOUT MIDLINE BRAIN DEFECTS. Identifiers: Orphanet 199, MedGen C3553517, MONDO:0013864, OMIM 614701.
Inborn genetic diseases. Identifiers: MedGen C0950123, MeSH D030342.

gnomAD v4.1: 7 of 1,594,640 alleles (0.00044%); highest among the groups gnomAD compares: Non-Finnish European, 0.0006%; no homozygotes.

Submissions (2):

Ambry Genetics
Classification: Uncertain significance for Inborn genetic diseases. Last evaluated: 2023-10-03. Review status: criteria provided, single submitter. Criteria: Ambry Variant Classification Scheme 2023. Collection method: clinical testing. Allele origin: germline.

Labcorp Genetics (formerly Invitae), Labcorp
Classification: Uncertain significance for Cornelia de Lange syndrome 4. Last evaluated: 2023-04-24. Review status: criteria provided, single submitter. Criteria: Invitae Variant Classification Sherloc (09022015). Collection method: clinical testing. Allele origin: germline.
Comment: This sequence change replaces proline, which is neutral and non-polar, with leucine, which is neutral and non-polar, at codon 256 of the RAD21 protein (p.Pro256Leu). In summary, the available evidence is currently insufficient to determine the role of this variant in disease. Therefore, it has been classified as a Variant of Uncertain Significance. Advanced modeling of protein sequence and biophysical properties (such as structural, functional, and spatial information, amino acid conservation, physicochemical variation, residue mobility, and thermodynamic stability) performed at Invitae indicates that this missense variant is not expected to disrupt RAD21 protein function. This variant has not been reported in the literature in individuals affected with RAD21-related conditions. This variant is not present in population databases (gnomAD no frequency).